The following is an entry in ClinVar:

ClinVar aggregate classification (germline): Likely pathogenic (1 of 4 stars; one submission).

Submission:

GeneDx
Classification: Likely pathogenic. Last evaluated: 2025-06-10. Review status: criteria provided, single submitter. Criteria: GeneDx Variant Classification Process June 2021. Collection method: clinical testing. Allele origin: germline. Affected: yes.
Comment: Not observed at significant frequency in large population cohorts (gnomAD); In silico analysis supports that this missense variant has a deleterious effect on protein structure/function; Has not been previously published as pathogenic or benign to our knowledge

NM_004171.4(SLC1A2):c.266T>C (p.Leu89Pro)

Gene: SLC1A2 (solute carrier family 1 member 2; minus strand). Cytogenetic location: 11p13.
Variant type: single nucleotide variant.
Coding change: c.266T>C on transcript NM_004171.4 (MANE Select); coding-DNA position 266, T replaced by C.
Protein change: p.Leu89Pro; replaces leucine 89 with proline.
Molecular consequence: missense variant.
Genome position (GRCh38, 1-based): chr11:35,315,067, A>G on the plus strand (T>C on the coding strand, the complement: SLC1A2 is on the minus strand). VCF-style: chr11-35315067-A-G. GRCh37 (hg19) VCF-style: chr11-35336614-A-G.
Other names: c.239T>C, p.Leu80Pro (NM_001195728.3, NM_001252652.2, NM_001439341.1); c.254T>C, p.Leu85Pro (NM_001439342.1); c.266T>C, p.Leu89Pro (NM_001439343.1); short protein forms L80P, L85P, L89P.
Identifiers: ClinVar variation 4537855 (VCV004537855.1).